The following is an entry in ClinVar:

NM_020987.5(ANK3):c.2967G>A (p.Met989Ile)

Gene: ANK3 (ankyrin 3; minus strand). Cytogenetic location: 10q21.2.
Variant type: single nucleotide variant.
Coding change: c.2967G>A on transcript NM_020987.5 (MANE Select); coding-DNA position 2967, G replaced by A.
Protein change: p.Met989Ile; replaces methionine 989 with isoleucine.
Molecular consequence: missense variant.
Genome position (GRCh38, 1-based): chr10:60,109,036, C>T on the plus strand (G>A on the coding strand, the complement: ANK3 is on the minus strand). VCF-style: chr10-60109036-C-T. GRCh37 (hg19) VCF-style: chr10-61868794-C-T.
Other names: c.369G>A, p.Met123Ile (NM_001149.4); c.2949G>A, p.Met983Ile (NM_001204403.2); c.2970G>A, p.Met990Ile (NM_001204404.2); c.2967G>A, p.Met989Ile (NM_001320874.2); short protein forms M123I, M983I, M989I, M990I.
Identifiers: ClinVar variation 4086694 (VCV004086694.1).

ClinVar aggregate classification (germline): Uncertain significance (1 of 4 stars; one submission).

Submission:

GeneDx
Classification: Uncertain significance. Last evaluated: 2025-03-17. Review status: criteria provided, single submitter. Criteria: GeneDx Variant Classification Process June 2021. Collection method: clinical testing. Allele origin: germline. Affected: yes.
Comment: Not observed at significant frequency in large population cohorts (gnomAD); In silico analysis supports that this missense variant has a deleterious effect on protein structure/function; Has not been previously published as pathogenic or benign to our knowledge